The following is an entry in ClinVar:

NM_024422.6(DSC2):c.2522G>A (p.Cys841Tyr)

Gene: DSC2 (desmocollin 2; minus strand). Cytogenetic location: 18q12.1.
Variant type: single nucleotide variant.
Coding change: c.2522G>A on transcript NM_024422.6 (MANE Select); coding-DNA position 2522, G replaced by A.
Protein change: p.Cys841Tyr; replaces cysteine 841 with tyrosine.
Molecular consequence: missense variant. On other transcripts: 3 prime UTR variant (1).
Genome position (GRCh38, 1-based): chr18:31,068,199, C>T on the plus strand (G>A on the coding strand, the complement: DSC2 is on the minus strand). VCF-style: chr18-31068199-C-T. GRCh37 (hg19) VCF-style: chr18-28648165-C-T.
Other names: c.*24G>A (NM_004949.5); short protein forms C841Y.
Identifiers: ClinVar variation 1063094 (VCV001063094.9), dbSNP rs2144781440, ClinGen allele CA402110914.

ClinVar aggregate classification (germline): Uncertain significance (1 of 4 stars; one submission).

Conditions:
Arrhythmogenic right ventricular dysplasia 11. Also called: Arrhythmogenic Right Ventricular Dysplasia/Cardiomyopathy11; ARRHYTHMOGENIC RIGHT VENTRICULAR DYSPLASIA, FAMILIAL, 11; Arrhythmogenic right ventricular dysplasia 11 with mild palmoplantar keratoderma and woolly hair. Identifiers: MedGen C1864850, MONDO:0012506, OMIM 610476.

Submission:

Labcorp Genetics (formerly Invitae), Labcorp
Classification: Uncertain significance for Arrhythmogenic right ventricular dysplasia 11. Last evaluated: 2020-09-27. Review status: criteria provided, single submitter. Criteria: Invitae Variant Classification Sherloc (09022015). Collection method: clinical testing. Allele origin: germline.
Comment: This sequence change replaces cysteine with tyrosine at codon 841 of the DSC2 protein (p.Cys841Tyr). The cysteine residue is moderately conserved and there is a large physicochemical difference between cysteine and tyrosine. This variant is not present in population databases (ExAC no frequency). This variant has not been reported in the literature in individuals with DSC2-related conditions. Algorithms developed to predict the effect of missense changes on protein structure and function are either unavailable or do not agree on the potential impact of this missense change (SIFT: "Tolerated"; PolyPhen-2: "Probably Damaging"; Align-GVGD: "Class C0"). In summary, the available evidence is currently insufficient to determine the role of this variant in disease. Therefore, it has been classified as a Variant of Uncertain Significance.